The following is an entry in ClinVar:

NM_000018.4(ACADVL):c.434A>C (p.Gln145Pro)

Gene: ACADVL (acyl-CoA dehydrogenase very long chain; plus strand). Cytogenetic location: 17p13.1.
Variant type: single nucleotide variant.
Coding change: c.434A>C on transcript NM_000018.4 (MANE Select); coding-DNA position 434, A replaced by C.
Protein change: p.Gln145Pro; replaces glutamine 145 with proline.
Molecular consequence: missense variant.
Genome position (GRCh38, 1-based): chr17:7,221,015, A>C. VCF-style: chr17-7221015-A-C. GRCh37 (hg19) VCF-style: chr17-7124334-A-C.
Other names: c.368A>C, p.Gln123Pro (NM_001033859.3); c.503A>C, p.Gln168Pro (NM_001270447.2); c.206A>C, p.Gln69Pro (NM_001270448.2); short protein forms Q123P, Q145P, Q69P, Q168P.
Identifiers: ClinVar variation 2116677 (VCV002116677.4), dbSNP rs2508264829, ClinGen allele CA397722894.

ClinVar aggregate classification (germline): Uncertain significance (1 of 4 stars; one submission).

Conditions:
Very long chain acyl-CoA dehydrogenase deficiency (ACADVLD). Also called: VLCAD Deficiency; Very Long-Chain Acyl-Coenzyme A Dehydrogenase Deficiency. Identifiers: Orphanet 26793, MedGen C3887523, MONDO:0008723, OMIM 201475.

Allele frequency attached by ClinVar (database versions not stated): gnomAD exomes below 0.00001.
gnomAD v4.1: 1 of 1,613,994 alleles (0.000062%); highest among the groups gnomAD compares: Non-Finnish European, 0.000085%; no homozygotes.

Submission:

Labcorp Genetics (formerly Invitae), Labcorp
Classification: Uncertain significance for Very long chain acyl-CoA dehydrogenase deficiency. Last evaluated: 2022-03-25. Review status: criteria provided, single submitter. Criteria: Invitae Variant Classification Sherloc (09022015). Collection method: clinical testing. Allele origin: germline.
Comment: In summary, the available evidence is currently insufficient to determine the role of this variant in disease. Therefore, it has been classified as a Variant of Uncertain Significance. Algorithms developed to predict the effect of missense changes on protein structure and function are either unavailable or do not agree on the potential impact of this missense change (SIFT: "Tolerated"; PolyPhen-2: "Probably Damaging"; Align-GVGD: "Class C0"). This variant has not been reported in the literature in individuals affected with ACADVL-related conditions. This variant is not present in population databases (gnomAD no frequency). This sequence change replaces glutamine, which is neutral and polar, with proline, which is neutral and non-polar, at codon 145 of the ACADVL protein (p.Gln145Pro).